The following is an entry in ClinVar:

NM_130839.5(UBE3A):c.1521C>T (p.Leu507=)

Genes: SNHG14 (small nucleolar RNA host gene 14; plus strand), UBE3A (ubiquitin protein ligase E3A; minus strand). Cytogenetic location: 15q11.2.
Variant type: single nucleotide variant.
Coding change: c.1521C>T on transcript NM_130839.5 (MANE Select); coding-DNA position 1521, C replaced by T.
Protein change: p.Leu507=; no amino-acid change (leucine 507 retained).
Molecular consequence: synonymous variant. On other transcripts: non-coding transcript variant (1), intron variant (2).
Genome position (GRCh38, 1-based): chr15:25,370,653, G>A on the plus strand (C>T on the coding strand, the complement: UBE3A is on the minus strand). VCF-style: chr15-25370653-G-A. GRCh37 (hg19) VCF-style: chr15-25615800-G-A.
Other names: c.1530C>T, p.Leu510= (NM_000462.5); c.1521C>T, p.Leu507= (NM_001354505.1, NM_001354538.2, NM_001354545.2); c.1461C>T, p.Leu487= (NM_001354506.2, NM_001354507.2, NM_001354508.2 and 17 more transcripts); c.1344C>T, p.Leu448= (NM_001354546.2); c.301+4812C>T (NM_001354551.2); c.361+4812C>T (NM_001354550.2).
Identifiers: ClinVar variation 241835 (VCV000241835.12), dbSNP rs878855201, ClinGen allele CA10583233.

ClinVar aggregate classification (germline): Likely benign. Review status: criteria provided, multiple submitters, no conflicts (2 of 4 stars). 3 submissions from 3 submitters: Likely benign (3). Last evaluated 2025-02-10.

Conditions:
Angelman syndrome (AS). Also called: HAPPY PUPPET SYNDROME. Identifiers: Orphanet 72, MedGen C0162635, MONDO:0007113, OMIM 105830. Disease mechanism: loss of function. Inheritance: imprinting disorder, AS is caused by disruption of maternally imprinted UBE3A located within the 15q11.2-q13 Angelman syndrome/Prader-Willi syndrome (AS/PWS) region..

Submissions (3):

Women's Health and Genetics/Laboratory Corporation of America, LabCorp
Classification: Likely benign. Last evaluated: 2025-02-10. Review status: criteria provided, single submitter. Criteria: LabCorp Variant Classification Summary - May 2015. Collection method: clinical testing. Allele origin: germline.

Labcorp Genetics (formerly Invitae), Labcorp
Classification: Likely benign for Angelman syndrome. Last evaluated: 2024-05-02. Review status: criteria provided, single submitter. Criteria: Invitae Variant Classification Sherloc (09022015). Collection method: clinical testing. Allele origin: germline.

GeneDx
Classification: Likely benign. Last evaluated: 2016-05-24. Review status: criteria provided, single submitter. Criteria: GeneDx Variant Classification (06012015). Collection method: clinical testing. Allele origin: germline. Affected: yes.
Comment: This variant is considered likely benign or benign based on one or more of the following criteria: it is a conservative change, it occurs at a poorly conserved position in the protein, it is predicted to be benign by multiple in silico algorithms, and/or has population frequency not consistent with disease.